The following is an entry in ClinVar:

NM_000059.4(BRCA2):c.217C>T (p.Gln73Ter)

Gene: BRCA2 (BRCA2 DNA repair associated; plus strand). Cytogenetic location: 13q13.1.
Variant type: single nucleotide variant.
Coding change: c.217C>T on transcript NM_000059.4 (MANE Select); coding-DNA position 217, C replaced by T.
Protein change: p.Gln73Ter; replaces glutamine 73 with a stop codon.
Molecular consequence: nonsense.
Genome position (GRCh38, 1-based): chr13:32,319,226, C>T. VCF-style: chr13-32319226-C-T. GRCh37 (hg19) VCF-style: chr13-32893363-C-T.
Other names: 445C>T; short protein forms Q73*.
Identifiers: ClinVar variation 91770 (VCV000091770.11), dbSNP rs398122741, ClinGen allele CA014544.

ClinVar aggregate classification (germline): Pathogenic. Review status: reviewed by expert panel (3 of 4 stars). 6 submissions from 6 submitters: Pathogenic (1). 5 of the submissions do not count toward it. Last evaluated 2016-09-08.

Conditions:
Hereditary cancer-predisposing syndrome. Also called: Tumor predisposition; Hereditary Cancer Syndrome; Neoplastic Syndromes, Hereditary; Hereditary neoplastic syndrome. Identifiers: Orphanet 140162, MedGen C0027672, MeSH D009386, MONDO:0015356.
Hereditary breast ovarian cancer syndrome. Also called: Breast and ovarian cancer; Hereditary breast and ovarian cancer; Hereditary breast and ovarian cancer syndrome; BRCA1- and BRCA2-Associated Hereditary Breast and Ovarian Cancer; Hereditary breast and ovarian cancer syndrome (HBOC); Hereditary breast and/or ovarian cancer syndrome. Identifiers: Orphanet 145, MedGen C0677776, MeSH D061325, MONDO:0003582. Disease mechanism: loss of function.
Breast-ovarian cancer, familial, susceptibility to, 2 (BROVCA2). Also called: BRCA2 Hereditary Breast and Ovarian Cancer. Identifiers: Orphanet 145, MedGen C2675520, MONDO:0012933, OMIM 612555. Disease mechanism: loss of function.

Submissions (6):

Evidence-based Network for the Interpretation of Germline Mutant Alleles (ENIGMA)
Classification: Pathogenic for Breast-ovarian cancer, familial, susceptibility to, 2. Last evaluated: 2016-09-08. Review status: reviewed by expert panel. Criteria: ENIGMA BRCA1/2 Classification Criteria (2015). Collection method: curation. Allele origin: germline.
Comment: Variant allele predicted to encode a truncated non-functional protein.

Labcorp Genetics (formerly Invitae), Labcorp
Classification: Pathogenic for Hereditary breast ovarian cancer syndrome. Last evaluated: 2025-07-30. Review status: criteria provided, single submitter. Criteria: Invitae Variant Classification Sherloc (09022015). Collection method: clinical testing. Allele origin: germline. Not counted in ClinVar's aggregate classification.
Comment: This sequence change creates a premature translational stop signal (p.Gln73*) in the BRCA2 gene. It is expected to result in an absent or disrupted protein product. Loss-of-function variants in BRCA2 are known to be pathogenic (PMID: 20104584). This variant is not present in population databases (gnomAD no frequency). This variant has not been reported in the literature in individuals affected with BRCA2-related conditions. ClinVar contains an entry for this variant (Variation ID: 91770). Algorithms developed to predict the effect of sequence changes on RNA splicing suggest that this variant may disrupt the consensus splice site. For these reasons, this variant has been classified as Pathogenic.

Ambry Genetics
Classification: Pathogenic for Hereditary cancer-predisposing syndrome. Last evaluated: 2022-02-28. Review status: criteria provided, single submitter. Criteria: Ambry Variant Classification Scheme 2023. Collection method: clinical testing. Allele origin: germline. Not counted in ClinVar's aggregate classification.
Comment: The p.Q73* pathogenic mutation (also known as c.217C>T), located in coding exon 2 of the BRCA2 gene, results from a C to T substitution at nucleotide position 217. This changes the amino acid from a glutamine to a stop codon within coding exon 2. This alteration is expected to result in loss of function by premature protein truncation or nonsense-mediated mRNA decay. As such, this alteration is interpreted as a disease-causing mutation.

Quest Diagnostics Nichols Institute San Juan Capistrano
Classification: Pathogenic for Breast-ovarian cancer, familial, susceptibility to, 2. Last evaluated: 2015-08-21. Review status: criteria provided, single submitter. Criteria: Quest Diagnostics criteria. Collection method: clinical testing. Allele origin: germline. Inheritance: Autosomal dominant inheritance. Not counted in ClinVar's aggregate classification.

Molecular Oncology, Hospital Universitario Central de Asturias (HUCA)
Classification: Pathogenic for Breast-ovarian cancer, familial, susceptibility to, 2. Last evaluated: 2021-05-24. Review status: no assertion criteria provided. Collection method: case-control. Allele origin: germline. Affected: yes. Not counted in ClinVar's aggregate classification.

Sharing Clinical Reports Project (SCRP)
Classification: Pathogenic for Breast-ovarian cancer, familial 2. Last evaluated: 2011-10-18. Review status: no assertion criteria provided. Collection method: clinical testing. Allele origin: germline. Not counted in ClinVar's aggregate classification.

Literature cited by the submitters: PubMed 20104584 (cited by Labcorp Genetics (formerly Invitae), Labcorp); PubMed 26295337 (cited by Quest Diagnostics Nichols Institute San Juan Capistrano); PubMed 38922859 (cited by Molecular Oncology, Hospital Universitario Central de Asturias (HUCA)).